The following is an entry in ClinVar:

ClinVar aggregate classification (germline): Uncertain significance. Review status: criteria provided, multiple submitters, no conflicts (2 of 4 stars). 2 submissions from 2 submitters: Uncertain significance (2). Last evaluated 2021-10-29.

Allele frequency attached by ClinVar (database versions not stated): gnomAD exomes 0.00001; TOPMed 0.00001; ExAC 0.00002; gnomAD 0.00002.
gnomAD v4.1: 13 of 1,613,984 alleles (0.00081%); highest among the groups gnomAD compares: Admixed American, 0.0017%; no homozygotes.

Submissions (2):

Labcorp Genetics (formerly Invitae), Labcorp
Classification: Uncertain significance. Last evaluated: 2021-10-29. Review status: criteria provided, single submitter. Criteria: Invitae Variant Classification Sherloc (09022015). Collection method: clinical testing. Allele origin: germline.
Comment: This sequence change replaces threonine, which is neutral and polar, with methionine, which is neutral and non-polar, at codon 125 of the LRP5 protein (p.Thr125Met). This variant is present in population databases (rs770000425, gnomAD 0.003%). This variant has not been reported in the literature in individuals affected with LRP5-related conditions. Advanced modeling of protein sequence and biophysical properties (such as structural, functional, and spatial information, amino acid conservation, physicochemical variation, residue mobility, and thermodynamic stability) performed at Invitae indicates that this missense variant is expected to disrupt LRP5 protein function. In summary, the available evidence is currently insufficient to determine the role of this variant in disease. Therefore, it has been classified as a Variant of Uncertain Significance.

Blueprint Genetics
Classification: Uncertain significance. Last evaluated: 2021-05-17. Review status: criteria provided, single submitter. Criteria: ACMG Guidelines, 2015. Collection method: clinical testing. Allele origin: germline.

NM_002335.4(LRP5):c.374C>T (p.Thr125Met)

Gene: LRP5 (LDL receptor related protein 5; plus strand). Cytogenetic location: 11q13.2.
Variant type: single nucleotide variant.
Coding change: c.374C>T on transcript NM_002335.4 (MANE Select); coding-DNA position 374, C replaced by T.
Protein change: p.Thr125Met; replaces threonine 125 with methionine.
Molecular consequence: missense variant. On other transcripts: 5 prime UTR variant (1).
Genome position (GRCh38, 1-based): chr11:68,348,129, C>T. VCF-style: chr11-68348129-C-T. GRCh37 (hg19) VCF-style: chr11-68115597-C-T.
Other names: c.-1392C>T (NM_001291902.2); short protein forms T125M.
Identifiers: ClinVar variation 1449158 (VCV001449158.7), dbSNP rs770000425, ClinGen allele CA6148969.
Genomic context (GRCh38, chr11:68,348,129, plus strand): 5'-CCGGCCTGGTCTCTCCCGACGGCCTCGCCTGCGACTGGGTGGGCAAGAAGCTGTACTGGA[C>T]GGACTCAGAGACCAACCGCATCGAGGTGGCCAACCTCAATGGCACATCCCGGAAGGTGCT-3'
Protein context (NP_002326.2, residues 115-135): CDWVGKKLYW[Thr125Met]DSETNRIEVA